The following is an entry in ClinVar:

NM_014009.4(FOXP3):c.292G>A (p.Asp98Asn)

Gene: FOXP3 (forkhead box P3; minus strand). Cytogenetic location: Xp11.23.
Variant type: single nucleotide variant.
Coding change: c.292G>A on transcript NM_014009.4 (MANE Select); coding-DNA position 292, G replaced by A.
Protein change: p.Asp98Asn; replaces aspartic acid 98 with asparagine.
Molecular consequence: missense variant. On other transcripts: intron variant (1).
Genome position (GRCh38, 1-based): chrX:49,257,687, C>T on the plus strand (G>A on the coding strand, the complement: FOXP3 is on the minus strand). VCF-style: chrX-49257687-C-T. GRCh37 (hg19) VCF-style: chrX-49114144-C-T.
Other names: c.211-122G>A (NM_001114377.2); short protein forms D98N.
Identifiers: ClinVar variation 1500406 (VCV001500406.8), dbSNP rs2147949106, ClinGen allele CA412953377.

ClinVar aggregate classification (germline): Uncertain significance (1 of 4 stars; one submission).

Conditions:
Insulin-dependent diabetes mellitus secretory diarrhea syndrome (IPEX). Also called: Immunodysregulation, polyendocrinopathy, and enteropathy, X-linked; IMMUNODEFICIENCY, POLYENDOCRINOPATHY, AND ENTEROPATHY, X-LINKED; Immune dysregulation-polyendocrinopathy-enteropathy-X-linked syndrome; X-Linked Autoimmunity-Allergic Dysregulation Syndrome; Immunodeficiency, Polyendocrinopathy, and Enteropathy X-Linked Syndrome; X-Linked Syndrome of Polyendocrinopathy, Immune Dysfunction, and Diarrhea. Identifiers: Orphanet 37042, MedGen C0342288, MONDO:0010580, OMIM 304790. Disease mechanism: loss of function.

Submission:

Labcorp Genetics (formerly Invitae), Labcorp
Classification: Uncertain significance for Insulin-dependent diabetes mellitus secretory diarrhea syndrome. Last evaluated: 2022-09-27. Review status: criteria provided, single submitter. Criteria: Invitae Variant Classification Sherloc (09022015). Collection method: clinical testing. Allele origin: germline.
Comment: In summary, the available evidence is currently insufficient to determine the role of this variant in disease. Therefore, it has been classified as a Variant of Uncertain Significance. Advanced modeling of protein sequence and biophysical properties (such as structural, functional, and spatial information, amino acid conservation, physicochemical variation, residue mobility, and thermodynamic stability) performed at Invitae indicates that this missense variant is not expected to disrupt FOXP3 protein function. This variant has not been reported in the literature in individuals affected with FOXP3-related conditions. ClinVar contains an entry for this variant (Variation ID: 1500406). This sequence change replaces aspartic acid, which is acidic and polar, with asparagine, which is neutral and polar, at codon 98 of the FOXP3 protein (p.Asp98Asn). This variant is not present in population databases (gnomAD no frequency).